The following is an entry in ClinVar:

ClinVar aggregate classification (germline): Uncertain significance (1 of 4 stars; one submission).

Conditions:
Neurodegeneration with brain iron accumulation 5 (NBIA5). Also called: STATIC ENCEPHALOPATHY OF CHILDHOOD WITH NEURODEGENERATION IN ADULTHOOD; Beta-propeller protein-associated neurodegeneration. Identifiers: Orphanet 329284, MedGen C3550973, MONDO:0010476, OMIM 300894.

Allele frequency attached by ClinVar (database versions not stated): gnomAD exomes below 0.00001; TOPMed below 0.00001.
gnomAD v4.1: 5 of 1,211,800 alleles (0.00041%); highest among the groups gnomAD compares: Non-Finnish European, 0.00056%; no homozygotes.

Submission:

Labcorp Genetics (formerly Invitae), Labcorp
Classification: Uncertain significance for Neurodegeneration with brain iron accumulation 5. Last evaluated: 2023-09-05. Review status: criteria provided, single submitter. Criteria: Invitae Variant Classification Sherloc (09022015). Collection method: clinical testing. Allele origin: germline.
Comment: In summary, the available evidence is currently insufficient to determine the role of this variant in disease. Therefore, it has been classified as a Variant of Uncertain Significance. Variants that disrupt the consensus splice site are a relatively common cause of aberrant splicing (PMID: 17576681, 9536098). Algorithms developed to predict the effect of sequence changes on RNA splicing suggest that this variant is not likely to affect RNA splicing. This variant has been observed in individual(s) with clinical features of WDR45-related conditions (Invitae). This variant is present in population databases (no rsID available, gnomAD 0.003%), including at least one homozygous and/or hemizygous individual. This sequence change falls in intron 4 of the WDR45 gene. It does not directly change the encoded amino acid sequence of the WDR45 protein. It affects a nucleotide within the consensus splice site.

Literature cited by the submitters: PubMed 17576681; PubMed 9536098.

NM_001029896.2(WDR45):c.130+3G>A

Genes: WDR45 (WD repeat domain 45; minus strand), LOC126863256 (BRD4-independent group 4 enhancer GRCh37_chrX:48934848-48936047; plus strand). Cytogenetic location: Xp11.23.
Variant type: single nucleotide variant.
Coding change: c.130+3G>A on transcript NM_001029896.2 (MANE Select); 3 bases into the intron after coding-DNA position 130, G replaced by A.
Molecular consequence: intron variant.
Genome position (GRCh38, 1-based): chrX:49,077,834, C>T on the plus strand (G>A on the coding strand, the complement: WDR45 is on the minus strand). VCF-style: chrX-49077834-C-T. GRCh37 (hg19) VCF-style: chrX-48935493-C-T.
Other names: c.130+3G>A (NM_007075.4).
Identifiers: ClinVar variation 2786844 (VCV002786844.3), dbSNP rs1264582237, ClinGen allele CA641902708.